The following is an entry in ClinVar:

NM_001330288.2(SMARCC2):c.384G>T (p.Glu128Asp)

Gene: SMARCC2 (SWI/SNF related BAF chromatin remodeling complex subunit C2; minus strand). Cytogenetic location: 12q13.2.
Variant type: single nucleotide variant.
Coding change: c.384G>T on transcript NM_001330288.2 (MANE Select); coding-DNA position 384, G replaced by T.
Protein change: p.Glu128Asp; replaces glutamic acid 128 with aspartic acid.
Molecular consequence: missense variant.
Genome position (GRCh38, 1-based): chr12:56,185,045, C>A on the plus strand (G>T on the coding strand, the complement: SMARCC2 is on the minus strand). VCF-style: chr12-56185045-C-A. GRCh37 (hg19) VCF-style: chr12-56578829-C-A.
Other names: c.384G>T, p.Glu128Asp (NM_001130420.3, NM_003075.5, NM_139067.4); short protein forms E128D.
Identifiers: ClinVar variation 3901617 (VCV003901617.1).

ClinVar aggregate classification (germline): Uncertain significance (1 of 4 stars; one submission).

Submission:

GeneDx
Classification: Uncertain significance. Last evaluated: 2024-11-30. Review status: criteria provided, single submitter. Criteria: GeneDx Variant Classification Process June 2021. Collection method: clinical testing. Allele origin: germline. Affected: yes.
Comment: Not observed at significant frequency in large population cohorts (gnomAD); In silico analysis supports that this missense variant has a deleterious effect on protein structure/function; Has not been previously published as pathogenic or benign to our knowledge